The following is an entry in ClinVar:

ClinVar aggregate classification (germline): Uncertain significance (1 of 4 stars; one submission).

Submission:

GeneDx
Classification: Uncertain significance. Last evaluated: 2022-02-14. Review status: criteria provided, single submitter. Criteria: GeneDx Variant Classification Process June 2021. Collection method: clinical testing. Allele origin: germline. Affected: yes.
Comment: Not observed at significant frequency in large population cohorts (gnomAD); In silico analysis supports that this missense variant has a deleterious effect on protein structure/function; Has not been previously published as pathogenic or benign to our knowledge

NM_004855.5(PIGB):c.623A>C (p.Tyr208Ser)

Gene: PIGB (phosphatidylinositol glycan anchor biosynthesis class B; plus strand). Cytogenetic location: 15q21.3.
Variant type: single nucleotide variant.
Coding change: c.623A>C on transcript NM_004855.5 (MANE Select); coding-DNA position 623, A replaced by C.
Protein change: p.Tyr208Ser; replaces tyrosine 208 with serine.
Molecular consequence: missense variant.
Genome position (GRCh38, 1-based): chr15:55,329,824, A>C. VCF-style: chr15-55329824-A-C. GRCh37 (hg19) VCF-style: chr15-55622022-A-C.
Other names: short protein forms Y208S.
Identifiers: ClinVar variation 1700741 (VCV001700741.2), dbSNP rs1230987674, ClinGen allele CA392542230.
Genomic context (GRCh38, chr15:55,329,824, plus strand): 5'-GTACCAGAACCCTTACAAACACCATGGAAACTGTTCTCACTATAATTGCTCTTTTCTACT[A>C]TCCTTTGGAAGGTTCAAAGTCTATGAACAGGTAAGAAAAATTATTGTTAATAATTATGTT-3'
Protein context (NP_004846.4, residues 198-218): TVLTIIALFY[Tyr208Ser]PLEGSKSMNS